The following is an entry in ClinVar:

NM_001009944.3(PKD1):c.9403A>G (p.Thr3135Ala)

Gene: PKD1 (polycystin 1, transient receptor potential channel interacting; minus strand). Cytogenetic location: 16p13.3.
Variant type: single nucleotide variant.
Coding change: c.9403A>G on transcript NM_001009944.3 (MANE Select); coding-DNA position 9403, A replaced by G.
Protein change: p.Thr3135Ala; replaces threonine 3135 with alanine.
Molecular consequence: missense variant.
Genome position (GRCh38, 1-based): chr16:2,100,561, T>C on the plus strand (A>G on the coding strand, the complement: PKD1 is on the minus strand). VCF-style: chr16-2100561-T-C. GRCh37 (hg19) VCF-style: chr16-2150562-T-C.
Other names: c.9403A>G, p.Thr3135Ala (NM_000296.4); short protein forms T3135A.
Identifiers: ClinVar variation 3376916 (VCV003376916.1).

ClinVar aggregate classification (germline): Uncertain significance (1 of 4 stars; one submission).

Conditions:
Polycystic kidney disease, adult type (PKD1). Also called: POLYCYSTIC KIDNEY DISEASE, ADULT, TYPE I; Polycystic Kidney Disease 1, Autosomal Dominant; Polycystic kidney disease 1; Polycystic kidney disease 1, severe; Polycystic Kidney, Autosomal Dominant; POLYCYSTIC KIDNEY DISEASE 1 WITH OR WITHOUT POLYCYSTIC LIVER DISEASE. Identifiers: MedGen C3149841, MONDO:0008263, OMIM 173900.

Submission:

Victorian Clinical Genetics Services, Murdoch Childrens Research Institute
Classification: Uncertain significance for Polycystic kidney disease, adult type. Last evaluated: 2024-10-08. Review status: criteria provided, single submitter. Criteria: ACMG Guidelines, 2015. Collection method: clinical testing. Allele origin: germline. Inheritance: Autosomal dominant inheritance. Affected: yes.
Comment: Based on the classification scheme VCGS_Germline_v1.3.4, this variant is classified as VUS-3A. Following criteria are met: 0102 - Loss of function is a known mechanism of disease in this gene and is associated with polycystic kidney disease 1 (MIM#173900). (I) 0107 - This gene is associated with autosomal dominant disease. Polycystic kidney disease 1 (MIM#173900) is predominantly caused by monoallelic variants, with rare reports of biallelic variants causing disease (OMIM). (I) 0200 - Variant is predicted to result in a missense amino acid change from threonine to alanine. (I) 0251 - This variant is heterozygous. (I) 0301 - Variant is absent from gnomAD (both v2 and v3). (SP) 0502 - Missense variant with conflicting in silico predictions and uninformative conservation. (I) 0600 - Variant is located in the annotated PLAT domain (DECIPHER; PMID: 26311459). (I) 0703 - Another missense variant comparable to the one identified in this case has moderate previous evidence for pathogenicity. An alternative change p.(Thr3135Met) has been reported in multiple unrelated individuals as pathogenic and likely pathogenic by clinical laboratories and in the literature (ClinVar; PMID: 27499327; PMID: 24611717; PMID:22008521; PMID:31740684). (SP) 0803 - This variant has limited previous evidence of pathogenicity in an unrelated individual. It has been reported once in the literature in an individual with polycystic kidney disease (PMID: 27499327). (SP) 0905 - No published segregation evidence has been identified for this variant. (I) 1007 - No published functional evidence has been identified for this variant. (I) 1208 - Inheritance information for this variant is not currently available in this individual. (I) Legend: (SP) - Supporting pathogenic, (I) - Information, (SB) - Supporting benign

Literature cited by the submitters: PubMed 22008521; PubMed 24611717; PubMed 26311459; PubMed 27499327; PubMed 31740684.